The following is an entry in ClinVar:

NM_033026.6(PCLO):c.11395C>T (p.Arg3799Ter)

Gene: PCLO (piccolo presynaptic cytomatrix protein; minus strand). Cytogenetic location: 7q21.11.
Variant type: single nucleotide variant.
Coding change: c.11395C>T on transcript NM_033026.6 (MANE Select); coding-DNA position 11395, C replaced by T.
Protein change: p.Arg3799Ter; replaces arginine 3799 with a stop codon.
Molecular consequence: nonsense.
Genome position (GRCh38, 1-based): chr7:82,916,591, G>A on the plus strand (C>T on the coding strand, the complement: PCLO is on the minus strand). VCF-style: chr7-82916591-G-A. GRCh37 (hg19) VCF-style: chr7-82545907-G-A.
Other names: c.11395C>T, p.Arg3799Ter (NM_014510.3); short protein forms R3799*.
Identifiers: ClinVar variation 2092632 (VCV002092632.4), dbSNP rs2535556263, ClinGen allele CA367893956.
Genomic context (GRCh38, chr7:82,916,591, plus strand): 5'-TCTTTTCTCTCTCCTTTAATAGGGCCTCTTTCCTCCTGTTAATTCCCATTTCCAGGTATC[G>A]TAGCTTAGCATCAATCTCCTTTTCTTCTTCATCAAGCTCTGCTTGTTTCTTTCGAAGTTT-3'

ClinVar aggregate classification (germline): Pathogenic (1 of 4 stars; one submission).

Allele frequency attached by ClinVar (database versions not stated): gnomAD exomes below 0.00001.
gnomAD v4.1: 1 of 1,613,494 alleles (0.000062%); no homozygotes.

Submission:

Labcorp Genetics (formerly Invitae), Labcorp
Classification: Pathogenic. Last evaluated: 2025-03-30. Review status: criteria provided, single submitter. Criteria: Invitae Variant Classification Sherloc (09022015). Collection method: clinical testing. Allele origin: germline.
Comment: This sequence change creates a premature translational stop signal (p.Arg3799*) in the PCLO gene. It is expected to result in an absent or disrupted protein product. Loss-of-function variants in PCLO are known to be pathogenic (PMID: 25832664, 30287594). This variant is not present in population databases (gnomAD no frequency). This variant has not been reported in the literature in individuals affected with PCLO-related conditions. ClinVar contains an entry for this variant (Variation ID: 2092632). For these reasons, this variant has been classified as Pathogenic.

Literature cited by the submitters: PubMed 25832664; PubMed 30287594.